The following is an entry in ClinVar:

NM_173602.3(DIP2B):c.2278G>A (p.Gly760Ser)

Gene: DIP2B (disco interacting protein 2 homolog B; plus strand). Cytogenetic location: 12q13.12.
Variant type: single nucleotide variant.
Coding change: c.2278G>A on transcript NM_173602.3 (MANE Select); coding-DNA position 2278, G replaced by A.
Protein change: p.Gly760Ser; replaces glycine 760 with serine.
Molecular consequence: missense variant.
Genome position (GRCh38, 1-based): chr12:50,699,155, G>A. VCF-style: chr12-50699155-G-A. GRCh37 (hg19) VCF-style: chr12-51092938-G-A.
Other names: short protein forms G760S.
Identifiers: ClinVar variation 3374895 (VCV003374895.1).

ClinVar aggregate classification (germline): Uncertain significance (1 of 4 stars; one submission).

gnomAD v4.1: 9 of 1,614,102 alleles (0.00056%); highest among the groups gnomAD compares: Non-Finnish European, 0.00076%; no homozygotes.

Submission:

Women's Health and Genetics/Laboratory Corporation of America, LabCorp
Classification: Uncertain significance. Last evaluated: 2024-09-11. Review status: criteria provided, single submitter. Criteria: LabCorp Variant Classification Summary - May 2015. Collection method: clinical testing. Allele origin: germline.
Comment: Variant summary: DIP2B c.2278G>A (p.Gly760Ser) results in a non-conservative amino acid change located in the AMP-dependent synthetase/ligase domain (IPR000873) of the encoded protein sequence. Three of five in-silico tools predict a damaging effect of the variant on protein function. The variant allele was found at a frequency of 1.2e-05 in 251248 control chromosomes. The available data on variant occurrences in the general population are insufficient to allow any conclusion about variant significance. To our knowledge, no occurrence of c.2278G>A in individuals affected with Intellectual Disability, FRA12A Type and no experimental evidence demonstrating its impact on protein function have been reported. No submitters have cited clinical-significance assessments for this variant to ClinVar. Based on the evidence outlined above, the variant was classified as uncertain significance.